The following is an entry in ClinVar:

ClinVar aggregate classification (germline): Pathogenic (1 of 4 stars; one submission).

Conditions:
Familial cancer of breast. Also called: hereditary breast carcinoma; BREAST CANCER, FAMILIAL; Hereditary breast cancer. Identifiers: Orphanet 227535, MedGen C0346153, MONDO:0016419, OMIM 114480. Disease mechanism: loss of function.

Submission:

Labcorp Genetics (formerly Invitae), Labcorp
Classification: Pathogenic for Familial cancer of breast. Last evaluated: 2024-04-16. Review status: criteria provided, single submitter. Criteria: Invitae Variant Classification Sherloc (09022015). Collection method: clinical testing. Allele origin: germline.
Comment: This sequence change creates a premature translational stop signal (p.Ser228Valfs*7) in the CHEK2 gene. It is expected to result in an absent or disrupted protein product. Loss-of-function variants in CHEK2 are known to be pathogenic (PMID: 21876083, 24713400). This variant is not present in population databases (gnomAD no frequency). This variant has not been reported in the literature in individuals affected with CHEK2-related conditions. For these reasons, this variant has been classified as Pathogenic.

Literature cited by the submitters: PubMed 21876083; PubMed 24713400.

NM_007194.4(CHEK2):c.682del (p.Ser228fs)

Gene: CHEK2 (checkpoint kinase 2; minus strand). Cytogenetic location: 22q12.1.
Variant type: Deletion.
Coding change: c.682del on transcript NM_007194.4 (MANE Select); coding-DNA position 682, one base deleted (A; older notation c.682delA).
Protein change: p.Ser228fs; shifts the reading frame from serine 228.
Molecular consequence: frameshift variant. On other transcripts: intron variant (1).
Genome position (GRCh38, 1-based): chr22:28,719,396, T deleted on the plus strand (A on the coding strand, the reverse complement: CHEK2 is on the minus strand); the first of 2 consecutive T bases (chr22:28,719,396-28,719,397); deleting either gives the same sequence. VCF-style (leftmost placement, unchanged base first): chr22-28719395-CT-C. GRCh37 (hg19) VCF-style: chr22-29115383-CT-C.
Other names: c.811del, p.Ser271fs (NM_001438294.1, NM_001005735.3); c.775del, p.Ser259fs (NM_001438295.1, NM_001438293.1); c.682del, p.Ser228fs (NM_145862.3); c.482+5490del (NM_001349956.3); c.19del, p.Ser7fs (NM_001257387.3, NM_001437942.1); short protein forms S271fs, S7fs, S228fs, S259fs.
Identifiers: ClinVar variation 3650068 (VCV003650068.2).